The following is an entry in ClinVar:

NM_024577.4(SH3TC2):c.1402G>T (p.Ala468Ser)

Gene: SH3TC2 (SH3 domain and tetratricopeptide repeats 2; minus strand). Cytogenetic location: 5q32.
Variant type: single nucleotide variant.
Coding change: c.1402G>T on transcript NM_024577.4 (MANE Select); coding-DNA position 1402, G replaced by T.
Protein change: p.Ala468Ser; replaces alanine 468 with serine.
Molecular consequence: missense variant.
Genome position (GRCh38, 1-based): chr5:149,028,330, C>A on the plus strand (G>T on the coding strand, the complement: SH3TC2 is on the minus strand). VCF-style: chr5-149028330-C-A. GRCh37 (hg19) VCF-style: chr5-148407893-C-A.
Other names: short protein forms A468S.
Identifiers: ClinVar variation 130297 (VCV000130297.33), dbSNP rs6875902, ClinGen allele CA155186.

ClinVar aggregate classification (germline): Benign/Likely benign. Review status: criteria provided, multiple submitters, no conflicts (2 of 4 stars). 14 submissions from 12 submitters: Benign (10); Likely benign (1). 3 of the submissions do not count toward it. Last evaluated 2026-02-04.

Conditions:
Charcot-Marie-Tooth disease. Also called: Charcot-Marie-Tooth Hereditary Neuropathy; Charcot-Marie-Tooth Neuropathy. Identifiers: Orphanet 166, MedGen C0007959, MONDO:0015626.
Charcot-Marie-Tooth disease type 4. Also called: Charcot-Marie-Tooth, Type 4; Charcot-Marie-Tooth disease, type IV. Identifiers: Orphanet 64749, MedGen C4082197, MONDO:0018995.
Charcot-Marie-Tooth disease type 4C (CMT4C). Also called: SH3TC2-Related Hereditary Motor and Sensory Neuropathy; Charcot-Marie-Tooth Neuropathy Type 4C (CMT4C); CHARCOT-MARIE-TOOTH DISEASE, DEMYELINATING, TYPE 4C; CHARCOT-MARIE-TOOTH DISEASE, DEMYELINATING, AUTOSOMAL RECESSIVE, TYPE 4C; CMT 4C. Identifiers: Orphanet 99949, MedGen C1866636, MONDO:0011113, OMIM 601596.
Susceptibility to mononeuropathy of the median nerve, mild. Also called: CARPAL TUNNEL SYNDROME, SUSCEPTIBILITY TO. Identifiers: MedGen C3150596, MONDO:0013237, OMIM 613353.

Allele frequency attached by ClinVar (database versions not stated): 1000 Genomes Project 0.19629; 1000 Genomes Project 30x 0.19925; TOPMed 0.22248; gnomAD 0.22262; ESP Exome Variant Server 0.23827.
gnomAD v4.1: 332,396 of 1,613,826 alleles (21%); highest among the groups gnomAD compares: African/African-American, 31%; 36,254 homozygotes.

Submissions (14):

Labcorp Genetics (formerly Invitae), Labcorp
Classification: Benign for Charcot-Marie-Tooth disease type 4. Last evaluated: 2026-02-04. Review status: criteria provided, single submitter. Criteria: Invitae Variant Classification Sherloc (09022015). Collection method: clinical testing. Allele origin: germline.

Blueprint Genetics
Classification: Likely benign. Last evaluated: 2024-11-26. Review status: criteria provided, single submitter. Criteria: ACMG Guidelines, 2015. Collection method: clinical testing. Allele origin: germline.

Genome-Nilou Lab
Classification: Benign for Charcot-Marie-Tooth disease type 4C. Last evaluated: 2021-07-15. Review status: criteria provided, single submitter. Criteria: ACMG Guidelines, 2015. Collection method: clinical testing. Allele origin: germline. Affected: no.

Genome-Nilou Lab
Classification: Benign for Susceptibility to mononeuropathy of the median nerve, mild. Last evaluated: 2021-07-15. Review status: criteria provided, single submitter. Criteria: ACMG Guidelines, 2015. Collection method: clinical testing. Allele origin: germline. Affected: no.

Illumina Laboratory Services, Illumina
Classification: Benign for Susceptibility to mononeuropathy of the median nerve, mild. Last evaluated: 2018-01-13. Review status: criteria provided, single submitter. Criteria: ICSL Variant Classification Criteria 13 December 2019. Collection method: clinical testing. Allele origin: germline.
Comment: This variant was observed in the ICSL laboratory as part of a predisposition screen in an ostensibly healthy population. It had not been previously curated by ICSL or reported in the Human Gene Mutation Database (HGMD: prior to June 1st, 2018), and was therefore a candidate for classification through an automated scoring system. Utilizing variant allele frequency, disease prevalence and penetrance estimates, and inheritance mode, an automated score was calculated to assess if this variant is too frequent to cause the disease. Based on the score and internal cut-off values, a variant classified as benign is not then subjected to further curation. The score for this variant resulted in a classification of benign for this disease.

Illumina Laboratory Services, Illumina
Classification: Benign for Charcot-Marie-Tooth disease type 4C. Last evaluated: 2018-01-13. Review status: criteria provided, single submitter. Criteria: ICSL Variant Classification Criteria 13 December 2019. Collection method: clinical testing. Allele origin: germline.
Comment: the same text as in the submission from Illumina Laboratory Services, Illumina above.

Mayo Clinic Laboratories, Mayo Clinic
Classification: Benign. Last evaluated: 2015-09-09. Review status: criteria provided, single submitter. Criteria: ACMG Guidelines, 2015. Collection method: clinical testing. Allele origin: germline. Observed: 735 variant alleles.

GeneDx
Classification: Benign. Last evaluated: 2015-03-03. Review status: criteria provided, single submitter. Criteria: GeneDx Variant Classification Process June 2021. Collection method: clinical testing. Allele origin: germline. Affected: yes.

Eurofins Ntd Llc (ga)
Classification: Benign. Last evaluated: 2014-12-05. Review status: criteria provided, single submitter. Criteria: EGL Classification Definitions 2015. Collection method: clinical testing. Allele origin: germline. Observed: 1 variant allele, 1 homozygote.

Molecular Genetics Laboratory, London Health Sciences Centre
Classification: Benign for Charcot-Marie-Tooth disease. Review status: criteria provided, single submitter. Criteria: ACMG Guidelines, 2015. Collection method: clinical testing. Allele origin: germline. Affected: yes.

PreventionGenetics, part of Exact Sciences
Classification: Benign. Review status: criteria provided, single submitter. Criteria: ACMG Guidelines, 2015. Collection method: clinical testing. Allele origin: germline.

Clinical Genetics, Academic Medical Center
Classification: Benign. Review status: no assertion criteria provided. Collection method: clinical testing. Allele origin: germline. Affected: yes. Study: VKGL Data-share Consensus. Not counted in ClinVar's aggregate classification.

Genetic Services Laboratory, University of Chicago
Classification: Likely benign for AllHighlyPenetrant. Review status: no assertion criteria provided. Collection method: clinical testing. Allele origin: germline. Not counted in ClinVar's aggregate classification.
Comment: Likely benign based on allele frequency in 1000 Genomes Project or ESP global frequency and its presence in a patient with a rare or unrelated disease phenotype. NOT Sanger confirmed.

Joint Genome Diagnostic Labs from Nijmegen and Maastricht, Radboudumc and MUMC+
Classification: Benign. Review status: no assertion criteria provided. Collection method: clinical testing. Allele origin: germline. Affected: yes. Study: VKGL Data-share Consensus. Not counted in ClinVar's aggregate classification.